The following is an entry in ClinVar:

ClinVar aggregate classification (germline): Uncertain significance (1 of 4 stars; one submission).

Conditions:
Combined immunodeficiency due to LRBA deficiency. Also called: Common variable immunodeficiency 8, with autoimmunity. Identifiers: Orphanet 445018, MedGen C3553512, MONDO:0013863, OMIM 614700.

Allele frequency attached by ClinVar (database versions not stated): gnomAD exomes 0.00001 and 0.00002; TOPMed 0.00002; ExAC 0.00001; gnomAD 0.00001.
gnomAD v4.1: 9 of 1,614,022 alleles (0.00056%); highest among the groups gnomAD compares: Admixed American, 0.01%; no homozygotes.

Submission:

Labcorp Genetics (formerly Invitae), Labcorp
Classification: Uncertain significance for Combined immunodeficiency due to LRBA deficiency. Last evaluated: 2022-08-31. Review status: criteria provided, single submitter. Criteria: Invitae Variant Classification Sherloc (09022015). Collection method: clinical testing. Allele origin: germline.
Comment: This sequence change replaces arginine, which is basic and polar, with threonine, which is neutral and polar, at codon 63 of the LRBA protein (p.Arg63Thr). This variant is present in population databases (rs756946124, gnomAD 0.01%). This variant has not been reported in the literature in individuals affected with LRBA-related conditions. ClinVar contains an entry for this variant (Variation ID: 568855). Algorithms developed to predict the effect of missense changes on protein structure and function are either unavailable or do not agree on the potential impact of this missense change (SIFT: "Tolerated"; PolyPhen-2: "Probably Damaging"; Align-GVGD: "Class C0"). In summary, the available evidence is currently insufficient to determine the role of this variant in disease. Therefore, it has been classified as a Variant of Uncertain Significance.

NM_001364905.1(LRBA):c.188G>C (p.Arg63Thr)

Gene: LRBA (LPS responsive beige-like anchor protein; minus strand). Cytogenetic location: 4q31.3.
Variant type: single nucleotide variant.
Coding change: c.188G>C on transcript NM_001364905.1 (MANE Select); coding-DNA position 188, G replaced by C.
Protein change: p.Arg63Thr; replaces arginine 63 with threonine.
Molecular consequence: missense variant.
Genome position (GRCh38, 1-based): chr4:151,014,455, C>G on the plus strand (G>C on the coding strand, the complement: LRBA is on the minus strand). VCF-style: chr4-151014455-C-G. GRCh37 (hg19) VCF-style: chr4-151935607-C-G.
Other names: c.188G>C, p.Arg63Thr (NM_006726.5, NM_001367550.1, NM_001199282.3); short protein forms R63T.
Identifiers: ClinVar variation 568855 (VCV000568855.6), dbSNP rs756946124, ClinGen allele CA3103949.